The following is an entry in ClinVar:

NM_000051.4(ATM):c.7852A>G (p.Arg2618Gly)

Genes: ATM (ATM serine/threonine kinase; plus strand), C11orf65 (chromosome 11 open reading frame 65; minus strand). Cytogenetic location: 11q22.3.
Variant type: single nucleotide variant.
Coding change: c.7852A>G on transcript NM_000051.4 (MANE Select); coding-DNA position 7852, A replaced by G.
Protein change: p.Arg2618Gly; replaces arginine 2618 with glycine.
Molecular consequence: missense variant. On other transcripts: intron variant (2).
Genome position (GRCh38, 1-based): chr11:108,332,825, A>G. VCF-style: chr11-108332825-A-G. GRCh37 (hg19) VCF-style: chr11-108203552-A-G.
Other names: c.7852A>G, p.Arg2618Gly (NM_001351834.2); c.641-23754T>C (NM_001330368.2); c.*38+2395T>C (NM_001351110.2); short protein forms R2618G.
Identifiers: ClinVar variation 453707 (VCV000453707.14), dbSNP rs1057521185, ClinGen allele CA382561371.

ClinVar aggregate classification (germline): Uncertain significance. Review status: criteria provided, multiple submitters, no conflicts (2 of 4 stars). 2 submissions from 2 submitters: Uncertain significance (2). Last evaluated 2025-05-22.

Conditions:
Hereditary cancer-predisposing syndrome. Also called: Neoplastic Syndromes, Hereditary; Hereditary Cancer Syndrome; Tumor predisposition; Hereditary neoplastic syndrome. Identifiers: Orphanet 140162, MedGen C0027672, MeSH D009386, MONDO:0015356.
Ataxia-telangiectasia syndrome (AT). Also called: LOUIS-BAR SYNDROME; Cerebello-oculocutaneous telangiectasia; Immunodeficiency with ataxia telangiectasia; Ataxia-telangiectasia, complementation group D; AT, COMPLEMENTATION GROUP C; Ataxia-telangiectasia, complementation group E. Identifiers: Orphanet 100, MedGen C0004135, MONDO:0008840, OMIM 208900.

Allele frequency attached by ClinVar (database versions not stated): gnomAD exomes below 0.00001.
gnomAD v4.1: 1 of 1,613,356 alleles (0.000062%); highest among the groups gnomAD compares: Non-Finnish European, 0.000085%; no homozygotes.

Submissions (2):

Ambry Genetics
Classification: Uncertain significance for Hereditary cancer-predisposing syndrome. Last evaluated: 2025-05-22. Review status: criteria provided, single submitter. Criteria: Ambry Variant Classification Scheme 2023. Collection method: clinical testing. Allele origin: germline.
Comment: The p.R2618G variant (also known as c.7852A>G), located in coding exon 52 of the ATM gene, results from an A to G substitution at nucleotide position 7852. The arginine at codon 2618 is replaced by glycine, an amino acid with dissimilar properties. This amino acid position is not well conserved in available vertebrate species. In addition, the in silico prediction for this alteration is inconclusive. Based on the available evidence, the clinical significance of this variant remains unclear.

Labcorp Genetics (formerly Invitae), Labcorp
Classification: Uncertain significance for Ataxia-telangiectasia syndrome. Last evaluated: 2024-04-22. Review status: criteria provided, single submitter. Criteria: Invitae Variant Classification Sherloc (09022015). Collection method: clinical testing. Allele origin: germline.
Comment: This sequence change replaces arginine, which is basic and polar, with glycine, which is neutral and non-polar, at codon 2618 of the ATM protein (p.Arg2618Gly). This variant is not present in population databases (gnomAD no frequency). This variant has not been reported in the literature in individuals affected with ATM-related conditions. ClinVar contains an entry for this variant (Variation ID: 453707). An algorithm developed to predict the effect of missense changes on protein structure and function (PolyPhen-2) suggests that this variant is likely to be tolerated. In summary, the available evidence is currently insufficient to determine the role of this variant in disease. Therefore, it has been classified as a Variant of Uncertain Significance.